The following is an entry in ClinVar:

NC_000009.11:g.(?_131265971)_(131305580_?)del

Gene: GLE1 (GLE1 RNA export mediator; plus strand). Cytogenetic location: 9q34.11.
Variant type: Deletion.
Identifiers: ClinVar variation 2423456 (VCV002423456.3).

ClinVar aggregate classification (germline): Pathogenic (1 of 4 stars; one submission).

Submission:

Labcorp Genetics (formerly Invitae), Labcorp
Classification: Pathogenic. Last evaluated: 2022-10-06. Review status: criteria provided, single submitter. Criteria: Invitae Variant Classification Sherloc (09022015). Collection method: clinical testing. Allele origin: germline.
Comment: A gross deletion of the genomic region encompassing the full coding sequence of the GLE1 gene has been identified. Loss-of-function variants in GLE1 are known to be pathogenic (PMID: 18204449, 24243016, 27684565). The boundaries of this event are unknown as they extend beyond the assayed region for this gene and therefore may encompass additional genes. This variant has not been reported in the literature in individuals affected with GLE1-related conditions. For these reasons, this variant has been classified as Pathogenic.

Literature cited by the submitters: PubMed 18204449; PubMed 24243016; PubMed 27684565.